The following is an entry in ClinVar:

ClinVar aggregate classification (germline): Benign. Review status: criteria provided, multiple submitters, no conflicts (2 of 4 stars). 5 submissions from 5 submitters: Benign (5). Last evaluated 2026-02-03.

Conditions:
Congenital stationary night blindness 1C. Also called: Night blindness, congenital stationary (complete), 1C, autosomal recessive. Identifiers: Orphanet 215, MedGen C2750747, MONDO:0013183, OMIM 613216.

Allele frequency attached by ClinVar (database versions not stated): gnomAD exomes 0.05986 and 0.06322; TOPMed 0.06030; ESP Exome Variant Server 0.06240; gnomAD 0.06327 and 0.06410; ExAC 0.06532; 1000 Genomes Project 30x 0.06636; 1000 Genomes Project 0.06829.
gnomAD v4.1: 97,458 of 1,614,162 alleles (6%); highest among the groups gnomAD compares: South Asian, 13%; 3,524 homozygotes.

Submissions (5):

Labcorp Genetics (formerly Invitae), Labcorp
Classification: Benign. Last evaluated: 2026-02-03. Review status: criteria provided, single submitter. Criteria: Invitae Variant Classification Sherloc (09022015). Collection method: clinical testing. Allele origin: germline.

Genome-Nilou Lab
Classification: Benign for Congenital stationary night blindness 1C. Last evaluated: 2021-09-10. Review status: criteria provided, single submitter. Criteria: ACMG Guidelines, 2015. Collection method: clinical testing. Allele origin: germline. Affected: no.

GeneDx
Classification: Benign. Last evaluated: 2019-08-05. Review status: criteria provided, single submitter. Criteria: GeneDx Variant Classification Process June 2021. Collection method: clinical testing. Allele origin: germline. Affected: yes.

Illumina Laboratory Services, Illumina
Classification: Benign for Congenital stationary night blindness 1C. Last evaluated: 2018-01-13. Review status: criteria provided, single submitter. Criteria: ICSL Variant Classification Criteria 13 December 2019. Collection method: clinical testing. Allele origin: germline.
Comment: This variant was observed in the ICSL laboratory as part of a predisposition screen in an ostensibly healthy population. It had not been previously curated by ICSL or reported in the Human Gene Mutation Database (HGMD: prior to June 1st, 2018), and was therefore a candidate for classification through an automated scoring system. Utilizing variant allele frequency, disease prevalence and penetrance estimates, and inheritance mode, an automated score was calculated to assess if this variant is too frequent to cause the disease. Based on the score and internal cut-off values, a variant classified as benign is not then subjected to further curation. The score for this variant resulted in a classification of benign for this disease.

Breakthrough Genomics
Classification: Benign. Review status: criteria provided, single submitter. Criteria: ACMG Guidelines, 2015. Collection method: not provided. Allele origin: germline. Inheritance: Unknown mechanism. Affected: yes.

NM_001252024.2(TRPM1):c.4560T>A (p.His1520Gln)

Gene: TRPM1 (transient receptor potential cation channel subfamily M member 1; minus strand). Cytogenetic location: 15q13.3.
Variant type: single nucleotide variant.
Coding change: c.4560T>A on transcript NM_001252024.2 (MANE Select); coding-DNA position 4560, T replaced by A.
Protein change: p.His1520Gln; replaces histidine 1520 with glutamine.
Molecular consequence: missense variant.
Genome position (GRCh38, 1-based): chr15:31,002,140, A>T on the plus strand (T>A on the coding strand, the complement: TRPM1 is on the minus strand). VCF-style: chr15-31002140-A-T. GRCh37 (hg19) VCF-style: chr15-31294343-A-T.
Other names: c.4611T>A, p.His1537Gln (NM_001252020.2); c.4494T>A, p.His1498Gln (NM_002420.6); short protein forms H1498Q, H1520Q, H1537Q.
Identifiers: ClinVar variation 315490 (VCV000315490.18), dbSNP rs12898290, ClinGen allele CA7451619.